The following is an entry in ClinVar:

NM_001035.3(RYR2):c.256G>A (p.Val86Met)

Gene: RYR2 (ryanodine receptor 2; plus strand). Cytogenetic location: 1q43.
Variant type: single nucleotide variant.
Coding change: c.256G>A on transcript NM_001035.3 (MANE Select); coding-DNA position 256, G replaced by A.
Protein change: p.Val86Met; replaces valine 86 with methionine.
Molecular consequence: missense variant.
Genome position (GRCh38, 1-based): chr1:237,330,965, G>A. VCF-style: chr1-237330965-G-A. GRCh37 (hg19) VCF-style: chr1-237494265-G-A.
Other names: short protein forms V86M.
Identifiers: ClinVar variation 925012 (VCV000925012.10), dbSNP rs1217618479, ClinGen allele CA345654711.

ClinVar aggregate classification (germline): Conflicting classifications of pathogenicity. Review status: criteria provided, conflicting classifications (1 of 4 stars). 2 submissions from 2 submitters: Uncertain significance (1); Likely benign (1). Last evaluated 2024-09-04.

Conditions:
Catecholaminergic polymorphic ventricular tachycardia 1. Also called: VENTRICULAR TACHYCARDIA, CATECHOLAMINERGIC POLYMORPHIC, 1, WITH OR WITHOUT ATRIAL DYSFUNCTION AND/OR DILATED CARDIOMYOPATHY; RYR2-Related Catecholaminergic Polymorphic Ventricular Tachycardia; VENTRICULAR TACHYCARDIA, STRESS-INDUCED POLYMORPHIC 1. Identifiers: Orphanet 3286, MedGen C1631597, MONDO:0011484, OMIM 604772.
Cardiomyopathy (CMYO). Also called: Cardiomyopathies. Identifiers: Orphanet 167848, MedGen C0878544, MONDO:0004994, HP:0001638. Inheritance: Various modes of inheritance.

Allele frequency attached by ClinVar (database versions not stated): gnomAD exomes below 0.00001 and 0.00002; TOPMed below 0.00001; gnomAD 0.00001.

Submissions (2):

Color Diagnostics, LLC DBA Color Health
Classification: Likely benign for Cardiomyopathy. Last evaluated: 2024-09-04. Review status: criteria provided, single submitter. Criteria: ACMG Guidelines, 2015. Collection method: clinical testing. Allele origin: germline.

Labcorp Genetics (formerly Invitae), Labcorp
Classification: Uncertain significance for Catecholaminergic polymorphic ventricular tachycardia 1. Last evaluated: 2021-11-19. Review status: criteria provided, single submitter. Criteria: Invitae Variant Classification Sherloc (09022015). Collection method: clinical testing. Allele origin: germline.
Comment: In summary, the available evidence is currently insufficient to determine the role of this variant in disease. Therefore, it has been classified as a Variant of Uncertain Significance. Advanced modeling of protein sequence and biophysical properties (such as structural, functional, and spatial information, amino acid conservation, physicochemical variation, residue mobility, and thermodynamic stability) performed at Invitae indicates that this missense variant is not expected to disrupt RYR2 protein function. ClinVar contains an entry for this variant (Variation ID: 925012). This variant has not been reported in the literature in individuals affected with RYR2-related conditions. This variant is present in population databases (no rsID available, gnomAD 0.003%). This sequence change replaces valine, which is neutral and non-polar, with methionine, which is neutral and non-polar, at codon 86 of the RYR2 protein (p.Val86Met).